The following is an entry in ClinVar:

ClinVar aggregate classification (germline): Pathogenic (1 of 4 stars; one submission).

Conditions:
Spondyloepiphyseal dysplasia with congenital joint dislocations (SEDCJD). Also called: Chondrodysplasia with Congenital Joint Dislocations, CHST3-Related. Identifiers: Orphanet 263463, MedGen C1837657, MONDO:0007738, OMIM 143095.

Allele frequency attached by ClinVar (database versions not stated): gnomAD exomes below 0.00001 and 0.00001; ExAC 0.00001; TOPMed 0.00002; gnomAD 0.00003 and 0.00004.
gnomAD v4.1: 13 of 1,613,408 alleles (0.00081%); highest among the groups gnomAD compares: African/African-American, 0.0027%; no homozygotes.

Submission:

Labcorp Genetics (formerly Invitae), Labcorp
Classification: Pathogenic for Spondyloepiphyseal dysplasia with congenital joint dislocations. Last evaluated: 2025-10-20. Review status: criteria provided, single submitter. Criteria: Invitae Variant Classification Sherloc (09022015). Collection method: clinical testing. Allele origin: germline.
Comment: This sequence change creates a premature translational stop signal (p.Gln91*) in the CHST3 gene. While this is not anticipated to result in nonsense mediated decay, it is expected to disrupt the last 389 amino acid(s) of the CHST3 protein. This variant is present in population databases (rs756133268, gnomAD 0.008%). This premature translational stop signal has been observed in individual(s) with clinical features of spondyloepiphyseal dysplasia (internal data). ClinVar contains an entry for this variant (Variation ID: 1445618). This variant disrupts a region of the CHST3 protein in which other variant(s) (p.Glu268*) have been determined to be pathogenic (PMID: 26572954). This suggests that this is a clinically significant region of the protein, and that variants that disrupt it are likely to be disease-causing. For these reasons, this variant has been classified as Pathogenic.

Literature cited by the submitters: PubMed 26572954.

NM_004273.5(CHST3):c.271C>T (p.Gln91Ter)

Gene: CHST3 (carbohydrate sulfotransferase 3; plus strand). Cytogenetic location: 10q22.1.
Variant type: single nucleotide variant.
Coding change: c.271C>T on transcript NM_004273.5 (MANE Select); coding-DNA position 271, C replaced by T.
Protein change: p.Gln91Ter; replaces glutamine 91 with a stop codon.
Molecular consequence: nonsense.
Genome position (GRCh38, 1-based): chr10:72,007,302, C>T. VCF-style: chr10-72007302-C-T. GRCh37 (hg19) VCF-style: chr10-73767060-C-T.
Other names: short protein forms Q91*.
Identifiers: ClinVar variation 1445618 (VCV001445618.6), dbSNP rs756133268, ClinGen allele CA5548050.